The following is an entry in ClinVar:

ClinVar aggregate classification (germline): Pathogenic/Likely pathogenic. Review status: criteria provided, multiple submitters, no conflicts (2 of 4 stars). 4 submissions from 4 submitters: Pathogenic (2); Likely pathogenic (2). Last evaluated 2024-02-23.

Conditions:
Mucopolysaccharidosis, MPS-IV-A (MPS4A). Also called: Mucopolysaccharidosis Type IVA; GALACTOSAMINE-6-SULFATASE DEFICIENCY; GALNS DEFICIENCY; MORQUIO A DISEASE; MPS IVA; Morquio syndrome A, mild. Identifiers: Orphanet 309297, Orphanet 582, MedGen C0086651, MONDO:0009659, OMIM 253000.

Allele frequency attached by ClinVar (database versions not stated): gnomAD exomes 0.00001 and 0.00003; ExAC 0.00017.
gnomAD v4.1: 4 of 1,535,598 alleles (0.00026%); highest among the groups gnomAD compares: South Asian, 0.0047%; no homozygotes.

Submissions (4):

Labcorp Genetics (formerly Invitae), Labcorp
Classification: Pathogenic for Mucopolysaccharidosis, MPS-IV-A. Last evaluated: 2024-02-23. Review status: criteria provided, single submitter. Criteria: Invitae Variant Classification Sherloc (09022015). Collection method: clinical testing. Allele origin: germline.
Comment: This sequence change replaces leucine, which is neutral and non-polar, with arginine, which is basic and polar, at codon 36 of the GALNS protein (p.Leu36Arg). This variant is present in population databases (rs755832705, gnomAD 0.02%). This missense change has been observed in individual(s) with mucopolysaccharidosis IVA (PMID: 24726177, 25252036; Invitae). In at least one individual the data is consistent with being in trans (on the opposite chromosome) from a pathogenic variant. ClinVar contains an entry for this variant (Variation ID: 528320). Advanced modeling of protein sequence and biophysical properties (such as structural, functional, and spatial information, amino acid conservation, physicochemical variation, residue mobility, and thermodynamic stability) performed at Invitae indicates that this missense variant is expected to disrupt GALNS protein function with a positive predictive value of 95%. For these reasons, this variant has been classified as Pathogenic.

3billion
Classification: Likely pathogenic for Mucopolysaccharidosis, MPS-IV-A. Last evaluated: 2022-03-22. Review status: criteria provided, single submitter. Criteria: ACMG Guidelines, 2015. Collection method: clinical testing. Allele origin: germline. Affected: yes. Observed: 1 homozygote.
Comment: Same or different nucleotide change resulting in same amino acid change has been previously reported as pathogenic/likely pathogenic with strong evidence (ClinVar ID: VCV000528320, PMID:24726177). Different pathogenic/likely pathogenic amino acid change has been reported with supporting evidence at the same codon (PMID:16287098). In silico tool predictions suggest damaging effect of the variant on gene or gene product (REVEL: 0.977>=0.6, 3CNET: 0.791>=0.75). The variant is observed at an extremely low frequency in the gnomAD v2.1.1 dataset (total allele frequency: 0.0000260). Therefore, this variant is classified as likely pathogenic according to the recommendation of ACMG/AMP guideline.

Laboratory of Diagnosis and Therapy of Lysosomal Disorders, University of Padova
Classification: Likely pathogenic for Mucopolysaccharidosis, MPS-IV-A. Last evaluated: 2021-02-01. Review status: criteria provided, single submitter. Criteria: ACMG Guidelines, 2015. Collection method: research. Allele origin: germline. Affected: yes.
Comment: In vivo functional studies supportive of a damaging effect on the gene product (low to null enzymatic activity in homozygotes; PS3_moderate); the prevalence of the variant in affected individuals is significantly increased compared with the prevalence in controls (PS4_strong); very low frequency in gnomAD v2.1.1 (PM2_moderate); multiple lines of computational evidence support a deleterious effect on the gene (PP3_supporting)

Neuberg Centre For Genomic Medicine, NCGM
Classification: Pathogenic for Mucopolysaccharidosis, MPS-IV-A. Review status: criteria provided, single submitter. Criteria: ACMG Guidelines, 2015. Collection method: clinical testing. Allele origin: germline. Inheritance: Autosomal recessive inheritance. Affected: yes.
Comment: The missense c.107T>G(p.Leu36Arg) variant in GALNS gene has been reported in homozygous/ heterozygous/ heterozygous carrier state in individuals affected with mucopolysaccharidosis IVA (Bidchol AM, et. al., 2014; Morrone A, et. al., 2014). Experimental studies showed damaging effect on the gene product (Caciotti A, et. al., 2015; Zanetti A, et. al., 2021). This variant is present with an allele frequency of 0.003% in gnomAD Exomes. This variant has been submitted to the ClinVar database as Likely pathogenic (multiple submissions). Multiple lines of computational evidence (Polyphen - Probably Damaging, SIFT - Damaging and MutationTaster - Disease causing) predict damaging effect on protein structure and function for this variant. The reference amino acid at this position in GALNS is predicted as conserved by GERP++ and PhyloP across 100 vertebrates. The amino acid Leu at position 36 is changed to a Arg changing protein sequence and it might alter its composition and physico-chemical properties. For these reasons, this variant has been classified as Pathogenic.

Literature cited by the submitters: PubMed 24726177 (cited by 3 submitters); PubMed 25252036 (cited by Labcorp Genetics (formerly Invitae), Labcorp and Laboratory of Diagnosis and Therapy of Lysosomal Disorders, University of Padova); PubMed 16287098 (cited by 3billion); PubMed 25545067 (cited by Laboratory of Diagnosis and Therapy of Lysosomal Disorders, University of Padova); PubMed 34387910 (cited by Laboratory of Diagnosis and Therapy of Lysosomal Disorders, University of Padova).

NM_000512.5(GALNS):c.107T>G (p.Leu36Arg)

Genes: GALNS (galactosamine (N-acetyl)-6-sulfatase; minus strand), TRAPPC2L (trafficking protein particle complex subunit 2L; plus strand), LOC130059762 (ATAC-STARR-seq lymphoblastoid silent region 7883; plus strand). Cytogenetic location: 16q24.3.
Variant type: single nucleotide variant.
Coding change: c.107T>G on transcript NM_000512.5 (MANE Select); coding-DNA position 107, T replaced by G.
Protein change: p.Leu36Arg; replaces leucine 36 with arginine.
Molecular consequence: missense variant. On other transcripts: 5 prime UTR variant (2).
Genome position (GRCh38, 1-based): chr16:88,856,771, A>C on the plus strand (T>G on the coding strand, the complement: GALNS is on the minus strand). VCF-style: chr16-88856771-A-C. GRCh37 (hg19) VCF-style: chr16-88923179-A-C.
Other names: c.-325T>G (NM_001323543.2); c.-46T>G (NM_001323544.2); short protein forms L36R.
Identifiers: ClinVar variation 528320 (VCV000528320.18), dbSNP rs755832705, ClinGen allele CA8235396.